The following is an entry in ClinVar:

NM_006306.4(SMC1A):c.595G>A (p.Ala199Thr)

Gene: SMC1A (structural maintenance of chromosomes 1A; minus strand). Cytogenetic location: Xp11.22.
Variant type: single nucleotide variant.
Coding change: c.595G>A on transcript NM_006306.4 (MANE Select); coding-DNA position 595, G replaced by A.
Protein change: p.Ala199Thr; replaces alanine 199 with threonine.
Molecular consequence: missense variant.
Genome position (GRCh38, 1-based): chrX:53,413,252, C>T on the plus strand (G>A on the coding strand, the complement: SMC1A is on the minus strand). VCF-style: chrX-53413252-C-T. GRCh37 (hg19) VCF-style: chrX-53440202-C-T.
Other names: c.529G>A, p.Ala177Thr (NM_001281463.1); short protein forms A177T, A199T.
Identifiers: ClinVar variation 2584984 (VCV002584984.1), dbSNP rs2520962844, ClinGen allele CA413259157.
Genomic context (GRCh38, chrX:53,413,252, plus strand): 5'-TCCTGGTCCCTCAGAGCCAAGAGGTAGCTTGGCCACCTACCTCTTCTTTCTCCTGCTTTG[C>T]TTCCTTGCGTTCAGCCGCAATATTTTTCTTGCGATGGTAATTAAACTGTGTGTCCTCTTC-3'
Protein context (NP_006297.2, residues 189-209): KKNIAAERKE[Ala199Thr]KQEKEEADRY

ClinVar aggregate classification (germline): Uncertain significance (1 of 4 stars; one submission).

Conditions:
Developmental and epileptic encephalopathy, 85, with or without midline brain defects. Also called: EPILEPTIC ENCEPHALOPATHY, EARLY INFANTILE, 85, WITH OR WITHOUT MIDLINE BRAIN DEFECTS. Identifiers: MedGen C5393312, MONDO:0026771, OMIM 301044.

Submission:

Neuberg Centre For Genomic Medicine, NCGM
Classification: Uncertain significance for Developmental and epileptic encephalopathy, 85, with or without midline brain defects. Review status: criteria provided, single submitter. Criteria: ACMG Guidelines, 2015. Collection method: clinical testing. Allele origin: germline. Inheritance: X-linked inheritance. Affected: yes.
Comment: The missense variant c.595G>A (p.Ala199Thr) in SMC1A gene has not been reported previously as a pathogenic variant nor as a benign variant, to our knowledge. The p.Ala199Thr variant is novel (not in any individuals) in gnomAD Exomes and 1000 Genomes. The amino acid Ala at position 199 is changed to a Thr changing protein sequence and it might alter its composition and physico-chemical properties. The amino acid change p.Ala199Thr in SMC1A is predicted as conserved by GERP++ and PhyloP across 100 vertebrates. For these reasons, this variant has been classified as Uncertain Significance.